The following is an entry in ClinVar:

ClinVar aggregate classification (germline): Uncertain significance (1 of 4 stars; one submission).

Submission:

GeneDx
Classification: Uncertain significance. Last evaluated: 2026-02-09. Review status: criteria provided, single submitter. Criteria: GeneDx Variant Classification Process June 2021. Collection method: clinical testing. Allele origin: germline.
Comment: Not observed at significant frequency in large population cohorts (gnomAD); In silico analysis supports that this missense variant has a deleterious effect on protein structure/function; Has not been previously published as pathogenic or benign to our knowledge

NM_001394062.1(MACF1):c.761T>G (p.Phe254Cys)

Gene: MACF1 (microtubule actin crosslinking factor 1; plus strand). Cytogenetic location: 1p34.3.
Variant type: single nucleotide variant.
Coding change: c.761T>G on transcript NM_001394062.1 (MANE Select); coding-DNA position 761, T replaced by G.
Protein change: p.Phe254Cys; replaces phenylalanine 254 with cysteine.
Molecular consequence: missense variant.
Genome position (GRCh38, 1-based): chr1:39,283,254, T>G. VCF-style: chr1-39283254-T-G. GRCh37 (hg19) VCF-style: chr1-39748926-T-G.
Other names: c.776T>G, p.Phe259Cys (NM_012090.5); short protein forms F254C, F259C.
Identifiers: ClinVar variation 4975603 (VCV004975603.1).